The following is an entry in ClinVar:

ClinVar aggregate classification (germline): Uncertain significance (1 of 4 stars; one submission).

Submission:

GeneDx
Classification: Uncertain significance. Last evaluated: 2025-04-22. Review status: criteria provided, single submitter. Criteria: GeneDx Variant Classification Process June 2021. Collection method: clinical testing. Allele origin: germline. Affected: yes.
Comment: Has not been previously published as pathogenic or benign to our knowledge

NM_007375.4(TARDBP):c.128A>C (p.Tyr43Ser)

Gene: TARDBP (TAR DNA binding protein; plus strand). Cytogenetic location: 1p36.22.
Variant type: single nucleotide variant.
Coding change: c.128A>C on transcript NM_007375.4 (MANE Select); coding-DNA position 128, A replaced by C.
Protein change: p.Tyr43Ser; replaces tyrosine 43 with serine.
Molecular consequence: missense variant.
Genome position (GRCh38, 1-based): chr1:11,013,855, A>C. VCF-style: chr1-11013855-A-C. GRCh37 (hg19) VCF-style: chr1-11073912-A-C.
Other names: short protein forms Y43S.
Identifiers: ClinVar variation 4527028 (VCV004527028.1).